The following is an entry in ClinVar:

NM_058216.3(RAD51C):c.239A>G (p.Glu80Gly)

Gene: RAD51C (RAD51 paralog C; plus strand). Cytogenetic location: 17q22.
Variant type: single nucleotide variant.
Coding change: c.239A>G on transcript NM_058216.3 (MANE Select); coding-DNA position 239, A replaced by G.
Protein change: p.Glu80Gly; replaces glutamic acid 80 with glycine.
Molecular consequence: missense variant. On other transcripts: non-coding transcript variant (2).
Genome position (GRCh38, 1-based): chr17:58,695,024, A>G. VCF-style: chr17-58695024-A-G. GRCh37 (hg19) VCF-style: chr17-56772385-A-G.
Other names: c.239A>G, p.Glu80Gly (NM_002876.4); short protein forms E80G.
Identifiers: ClinVar variation 922828 (VCV000922828.4), dbSNP rs2047947240, ClinGen allele CA400340295.

ClinVar aggregate classification (germline): Uncertain significance (1 of 4 stars; one submission).

Conditions:
Hereditary cancer-predisposing syndrome. Also called: Neoplastic Syndromes, Hereditary; Tumor predisposition; Hereditary Cancer Syndrome; Hereditary neoplastic syndrome. Identifiers: Orphanet 140162, MedGen C0027672, MeSH D009386, MONDO:0015356.

Submission:

Color Diagnostics, LLC DBA Color Health
Classification: Uncertain significance for Hereditary cancer-predisposing syndrome. Last evaluated: 2023-12-05. Review status: criteria provided, single submitter. Criteria: ACMG Guidelines, 2015. Collection method: clinical testing. Allele origin: germline.
Comment: This missense variant replaces glutamic acid with glycine at codon 80 of the RAD51C protein. Computational prediction suggests that this variant may not impact protein structure and function (internally defined REVEL score threshold <= 0.5, PMID: 27666373). To our knowledge, functional studies have not been reported for this variant. This variant has not been reported in individuals affected with RAD51C-related disorders in the literature. This variant has not been identified in the general population by the Genome Aggregation Database (gnomAD). The available evidence is insufficient to determine the role of this variant in disease conclusively. Therefore, this variant is classified as a Variant of Uncertain Significance.